The following is an entry in ClinVar:

NM_031418.4(ANO3):c.87G>C (p.Ser29=)

Gene: ANO3 (anoctamin 3; plus strand). Cytogenetic location: 11p14.2.
Variant type: single nucleotide variant.
Coding change: c.87G>C on transcript NM_031418.4 (MANE Select); coding-DNA position 87, G replaced by C.
Protein change: p.Ser29=; no amino-acid change (serine 29 retained).
Molecular consequence: synonymous variant.
Genome position (GRCh38, 1-based): chr11:26,441,958, G>C. VCF-style: chr11-26441958-G-C. GRCh37 (hg19) VCF-style: chr11-26463505-G-C.
Other names: c.87G>C (NM_031418.3); c.270G>C, p.Ser90= (NM_001313726.2).
Identifiers: ClinVar variation 696389 (VCV000696389.18), dbSNP rs374120345, ClinGen allele CA5925450.

ClinVar aggregate classification (germline): Likely benign. Review status: criteria provided, multiple submitters, no conflicts (2 of 4 stars). 4 submissions from 4 submitters: Likely benign (3). 1 of the submissions does not count toward it. Last evaluated 2025-11-01.

Conditions:
ANO3-related disorder. Also called: ANO3-related condition.
Dystonic disorder. Also called: Dystonia. Identifiers: MedGen C0013421, MONDO:0003441, HP:0001332.

Allele frequency attached by ClinVar (database versions not stated): gnomAD 0.00013 and 0.00015; 1000 Genomes Project 30x 0.00016; TOPMed 0.00024; ESP Exome Variant Server 0.00038.
gnomAD v4.1: 97 of 1,613,716 alleles (0.006%); highest among the groups gnomAD compares: East Asian, 0.062%; 1 homozygote.

Submissions (4):

CeGaT Center for Human Genetics Tuebingen
Classification: Likely benign. Last evaluated: 2025-11-01. Review status: criteria provided, single submitter. Criteria: CeGaT Center For Human Genetics Tuebingen Variant Classification Criteria Version 2. Collection method: clinical testing. Allele origin: germline. Affected: yes. Observed: 1 variant allele.
Comment: ANO3: BP4, BP7

Labcorp Genetics (formerly Invitae), Labcorp
Classification: Likely benign for Dystonic disorder. Last evaluated: 2025-09-23. Review status: criteria provided, single submitter. Criteria: Invitae Variant Classification Sherloc (09022015). Collection method: clinical testing. Allele origin: germline.

Blueprint Genetics
Classification: Likely benign. Last evaluated: 2024-07-03. Review status: criteria provided, single submitter. Criteria: ACMG Guidelines, 2015. Collection method: clinical testing. Allele origin: germline.

PreventionGenetics, part of Exact Sciences
Classification: Likely benign for ANO3-related condition. Last evaluated: 2019-02-22. Review status: no assertion criteria provided. Collection method: clinical testing. Allele origin: germline. Not counted in ClinVar's aggregate classification.
Comment: This variant is classified as likely benign based on ACMG/AMP sequence variant interpretation guidelines (Richards et al. 2015 PMID: 25741868, with internal and published modifications).